The following is an entry in ClinVar:

NM_000709.4(BCKDHA):c.251G>A (p.Arg84Gln)

Gene: BCKDHA (branched chain keto acid dehydrogenase E1 subunit alpha; plus strand). Cytogenetic location: 19q13.2.
Variant type: single nucleotide variant.
Coding change: c.251G>A on transcript NM_000709.4 (MANE Select); coding-DNA position 251, G replaced by A.
Protein change: p.Arg84Gln; replaces arginine 84 with glutamine.
Molecular consequence: missense variant.
Genome position (GRCh38, 1-based): chr19:41,410,779, G>A. VCF-style: chr19-41410779-G-A. GRCh37 (hg19) VCF-style: chr19-41916684-G-A.
Other names: c.251G>A, p.Arg84Gln (NM_001164783.2); short protein forms R84Q.
Identifiers: ClinVar variation 2144047 (VCV002144047.1), dbSNP rs766928512, ClinGen allele CA9461036.
Genomic context (GRCh38, chr19:41,410,779, plus strand): 5'-AGTTGGAATTCATCCAGCCCAACGTCATCTCTGGAATCCCCATCTACCGCGTCATGGACC[G>A]GCAAGGCCAGATCATCAACCCCAGCGAGGACCCCCACGTGAGAGGCGGCCTCCCCCACTT-3'
Protein context (NP_000700.1, residues 74-94): SGIPIYRVMD[Arg84Gln]QGQIINPSED

ClinVar aggregate classification (germline): Uncertain significance (1 of 4 stars; one submission).

Conditions:
Maple syrup urine disease (MSUD). Identifiers: Orphanet 511, MedGen C0024776, MeSH D008375, MONDO:0009563. Disease mechanism: loss of function.

Allele frequency attached by ClinVar (database versions not stated): ExAC 0.00002; gnomAD 0.00002; gnomAD exomes 0.00002; TOPMed 0.00002.
gnomAD v4.1: 26 of 1,614,000 alleles (0.0016%); highest among the groups gnomAD compares: Admixed American, 0.0083%; no homozygotes.

Submission:

Labcorp Genetics (formerly Invitae), Labcorp
Classification: Uncertain significance for Maple syrup urine disease. Last evaluated: 2022-06-11. Review status: criteria provided, single submitter. Criteria: Invitae Variant Classification Sherloc (09022015). Collection method: clinical testing. Allele origin: germline.
Comment: This sequence change replaces arginine, which is basic and polar, with glutamine, which is neutral and polar, at codon 84 of the BCKDHA protein (p.Arg84Gln). This variant is present in population databases (rs766928512, gnomAD 0.009%). This variant has not been reported in the literature in individuals affected with BCKDHA-related conditions. Advanced modeling of protein sequence and biophysical properties (such as structural, functional, and spatial information, amino acid conservation, physicochemical variation, residue mobility, and thermodynamic stability) performed at Invitae indicates that this missense variant is not expected to disrupt BCKDHA protein function. Algorithms developed to predict the effect of sequence changes on RNA splicing suggest that this variant may create or strengthen a splice site. In summary, the available evidence is currently insufficient to determine the role of this variant in disease. Therefore, it has been classified as a Variant of Uncertain Significance.